The following is an entry in ClinVar:

NM_201384.3(PLEC):c.7897C>T (p.Leu2633Phe)

Gene: PLEC (plectin; minus strand). Cytogenetic location: 8q24.3.
Variant type: single nucleotide variant.
Coding change: c.7897C>T on transcript NM_201384.3 (MANE Select); coding-DNA position 7897, C replaced by T.
Protein change: p.Leu2633Phe; replaces leucine 2633 with phenylalanine.
Molecular consequence: missense variant.
Genome position (GRCh38, 1-based): chr8:143,921,924, G>A on the plus strand (C>T on the coding strand, the complement: PLEC is on the minus strand). VCF-style: chr8-143921924-G-A. GRCh37 (hg19) VCF-style: chr8-144996092-G-A.
Other names: c.7978C>T, p.Leu2660Phe (NM_000445.5); c.4597C>T, p.Leu1533Phe (NM_001410941.1); c.7855C>T, p.Leu2619Phe (NM_201378.4); c.7831C>T, p.Leu2611Phe (NM_201379.3); c.8308C>T, p.Leu2770Phe (NM_201380.4); c.7801C>T, p.Leu2601Phe (NM_201381.3); c.7897C>T, p.Leu2633Phe (NM_201382.4); c.7909C>T, p.Leu2637Phe (NM_201383.3); short protein forms L2633F, L2637F, L2660F, L2611F, L2770F, L1533F, L2601F, L2619F.
Identifiers: ClinVar variation 4794693 (VCV004794693.1).

ClinVar aggregate classification (germline): Uncertain significance (1 of 4 stars; one submission).

Conditions:
Epidermolysis bullosa simplex 5B, with muscular dystrophy (EBS5B). Also called: EPIDERMOLYSIS BULLOSA SIMPLEX AND LIMB-GIRDLE MUSCULAR DYSTROPHY; Epidermolysis bullosa simplex with muscular dystrophy. Identifiers: Orphanet 257, MedGen C2931072, MONDO:0009181, OMIM 226670.
Epidermolysis bullosa simplex, Ogna type (EBS5A). Also called: Pidermolysis bullosa simplex 5A, Ogna type; EPIDERMOLYSIS BULLOSA SIMPLEX 5A, OGNA TYPE. Identifiers: Orphanet 79401, MedGen C0432317, MONDO:0007555, OMIM 131950.
Epidermolysis bullosa simplex 5C, with pyloric atresia (EBS5C). Also called: Epidermolysis bullosa simplex with pyloric atresia; PLEC-Related Epidermolysis Bullosa with Pyloric Atresia; PLEC1-Related Epidermolysis Bullosa with Pyloric Atresia. Identifiers: Orphanet 158684, MedGen C2677349, MONDO:0012807, OMIM 612138.
Autosomal recessive limb-girdle muscular dystrophy type 2Q (LGMDR17). Also called: MUSCULAR DYSTROPHY, LIMB-GIRDLE, AUTOSOMAL RECESSIVE 17. Identifiers: Orphanet 254361, MedGen C3150989, MONDO:0013390, OMIM 613723.
Epidermolysis bullosa simplex with nail dystrophy (EBS5D). Identifiers: MedGen C4225309, MONDO:0014661, OMIM 616487.

gnomAD v4.1: 14 of 1,599,442 alleles (0.00088%); highest among the groups gnomAD compares: African/African-American, 0.0013%; no homozygotes.

Submission:

Labcorp Genetics (formerly Invitae), Labcorp
Classification: Uncertain significance for Autosomal recessive limb-girdle muscular dystrophy type 2Q; Epidermolysis bullosa simplex, Ogna type; Epidermolysis bullosa simplex with nail dystrophy; Epidermolysis bullosa simplex 5C, with pyloric atresia; Epidermolysis bullosa simplex 5B, with muscular dystrophy. Last evaluated: 2025-03-06. Review status: criteria provided, single submitter. Criteria: Invitae Variant Classification Sherloc (09022015). Collection method: clinical testing. Allele origin: germline.
Comment: This sequence change replaces leucine, which is neutral and non-polar, with phenylalanine, which is neutral and non-polar, at codon 2660 of the PLEC protein (p.Leu2660Phe). The frequency data for this variant in the population databases is considered unreliable, as metrics indicate poor data quality at this position in the gnomAD database. This variant has not been reported in the literature in individuals affected with PLEC-related conditions. An algorithm developed to predict the effect of missense changes on protein structure and function (PolyPhen-2) suggests that this variant is likely to be disruptive. In summary, the available evidence is currently insufficient to determine the role of this variant in disease. Therefore, it has been classified as a Variant of Uncertain Significance.